The following is an entry in ClinVar:

NM_000257.4(MYH7):c.3705G>C (p.Met1235Ile)

Gene: MYH7 (myosin heavy chain 7; minus strand). Cytogenetic location: 14q11.2.
Variant type: single nucleotide variant.
Coding change: c.3705G>C on transcript NM_000257.4 (MANE Select); coding-DNA position 3705, G replaced by C.
Protein change: p.Met1235Ile; replaces methionine 1235 with isoleucine.
Molecular consequence: missense variant.
Genome position (GRCh38, 1-based): chr14:23,419,866, C>G on the plus strand (G>C on the coding strand, the complement: MYH7 is on the minus strand). VCF-style: chr14-23419866-C-G. GRCh37 (hg19) VCF-style: chr14-23889075-C-G.
Other names: c.3705G>C, p.Met1235Ile (NM_001407004.1); short protein forms M1235I.
Identifiers: ClinVar variation 3393760 (VCV003393760.1).
Genomic context (GRCh38, chr14:23,419,866, plus strand): 5'-AGGAGGAAGTTGGAGGAGGGGAGGCCGAGCAGAGCCTGCCTTGGCCTTGATGATCTGCTC[C>G]ATGTTGGAGGTGACGTCATCCAGCTCCAGCTTGAACTCGCTCTTCTCCTTCTCCAGCTTC-3'
Protein context (NP_000248.2, residues 1225-1245): KLELDDVTSN[Met1235Ile]EQIIKAKANL

ClinVar aggregate classification (germline): Uncertain significance (1 of 4 stars; one submission).

Submission:

GeneDx
Classification: Uncertain significance. Last evaluated: 2024-07-02. Review status: criteria provided, single submitter. Criteria: GeneDx Variant Classification Process June 2021. Collection method: clinical testing. Allele origin: germline. Affected: yes.
Comment: Not observed at significant frequency in large population cohorts (gnomAD); In silico analysis indicates that this missense variant does not alter protein structure/function; Has not been previously published as pathogenic or benign to our knowledge